The following is an entry in ClinVar:

NM_001142966.3(GREB1L):c.5397del (p.Lys1799fs)

Gene: GREB1L (GREB1 like retinoic acid receptor coactivator; plus strand). Cytogenetic location: 18q11.2.
Variant type: Deletion.
Coding change: c.5397del on transcript NM_001142966.3 (MANE Select); coding-DNA position 5397, one base deleted (A; older notation c.5397delA).
Protein change: p.Lys1799fs; shifts the reading frame from lysine 1799.
Molecular consequence: frameshift variant.
Genome position (GRCh38, 1-based): chr18:21,518,159, A deleted; the last of 3 consecutive A bases (chr18:21,518,157-21,518,159); deleting any one gives the same sequence. VCF-style (leftmost placement, unchanged base first): chr18-21518156-TA-T. GRCh37 (hg19) VCF-style: chr18-19098117-TA-T.
Other names: c.5526del, p.Lys1842fs (NM_001410867.1); c.5070del, p.Lys1690fs (NM_001410868.1); short protein forms K1842fs, K1690fs, K1799fs.
Identifiers: ClinVar variation 2865254 (VCV002865254.3), dbSNP rs2512030033, ClinGen allele CA2739268552.

ClinVar aggregate classification (germline): Uncertain significance (1 of 4 stars; one submission).

Submission:

Labcorp Genetics (formerly Invitae), Labcorp
Classification: Uncertain significance. Last evaluated: 2023-07-29. Review status: criteria provided, single submitter. Criteria: Invitae Variant Classification Sherloc (09022015). Collection method: clinical testing. Allele origin: germline.
Comment: In summary, the available evidence is currently insufficient to determine the role of this variant in disease. Therefore, it has been classified as a Variant of Uncertain Significance. Experimental studies and prediction algorithms are not available or were not evaluated, and the functional significance of this variant is currently unknown. This premature translational stop signal has been observed in at least one individual who was not affected with GREB1L-related conditions (Invitae). This variant has not been reported in the literature in individuals affected with GREB1L-related conditions. This variant is not present in population databases (gnomAD no frequency). This sequence change creates a premature translational stop signal (p.Lys1799Asnfs*60) in the GREB1L gene. While this is not anticipated to result in nonsense mediated decay, it is expected to disrupt the last 125 amino acid(s) of the GREB1L protein.